The following is an entry in ClinVar:

ClinVar aggregate classification (germline): Conflicting classifications of pathogenicity. Review status: criteria provided, conflicting classifications (1 of 4 stars). 2 submissions from 2 submitters: Likely pathogenic (1); Uncertain significance (1). Last evaluated 2024-10-20.

Conditions:
Intellectual developmental disorder, autosomal dominant 66. Also called: MENTAL RETARDATION, AUTOSOMAL DOMINANT 66. Identifiers: MedGen C5677000, MONDO:0030891, OMIM 619910.
Neurodevelopmental disorder. Identifiers: MedGen C1535926, MeSH D065886, MONDO:0700092.

Allele frequency attached by ClinVar (database versions not stated): gnomAD exomes below 0.00001; gnomAD 0.00001.
gnomAD v4.1: 5 of 1,613,562 alleles (0.00031%); highest among the groups gnomAD compares: Admixed American, 0.0017%; no homozygotes.

Submissions (2):

Victorian Clinical Genetics Services, Murdoch Childrens Research Institute
Classification: Uncertain significance for Intellectual developmental disorder, autosomal dominant 66. Last evaluated: 2024-10-20. Review status: criteria provided, single submitter. Criteria: ACMG Guidelines, 2015. Collection method: clinical testing. Allele origin: germline. Affected: yes.
Comment: This variant is classified as VUS-3A. Evidence in support of pathogenic classification: Variant is present in gnomAD <0.001 for a dominant condition (v4: 5 heterozygote(s), 0 homozygote(s)); This variant has moderate previous evidence of pathogenicity in unrelated individuals. This variant has been reported in the literature once as de novo in an individual with a neurodevelopmental disorder (PMID: 35358416) and de novo in a proband with congenital hydrocephalus (PMID: 33077954); This variant has moderate functional evidence supporting abnormal protein function. When expressed in HEK293 cells this variant does not alter subcellular protein localisation however does negatively impact calcium ion transport (PMID: 35358416); Missense variant consistently predicted to be damaging by in silico tool or highly conserved with a major amino acid change. Additional information: Variant is predicted to result in a missense amino acid change from arginine to cysteine; This variant is heterozygous; This gene is associated with autosomal dominant disease; An alternative amino acid change at the same position has been observed in gnomAD (v4: 21 heterozygote(s), 0 homozygote(s)); No comparable missense variants have previous evidence for pathogenicity; Variant is located in the annotated haloacid dehalogenase-like hydrolase domain (DECIPHER); Loss of function is a known mechanism of disease in this gene and is associated with intellectual developmental disorder, autosomal dominant 66 (MIM#619910; PMID: 35358416); Variants in this gene are known to have variable expressivity (OMIM, PMID: 35358416).

Institute of Human Genetics, University of Leipzig Medical Center
Classification: Likely pathogenic for Neurodevelopmental disorder. Last evaluated: 2022-04-11. Review status: criteria provided, single submitter. Criteria: ACMG Guidelines, 2015. Collection method: clinical testing. Allele origin: de novo. Affected: yes.
Comment: This variant was identified as de novo (maternity and paternity confirmed)._x000D_ Criteria applied: PS2_MOD, PS3_SUP, PM1_MOD, PP2, PP3

Literature cited by the submitters: PubMed 33077954 (cited by Victorian Clinical Genetics Services, Murdoch Childrens Research Institute); PubMed 35358416 (cited by Victorian Clinical Genetics Services, Murdoch Childrens Research Institute and Institute of Human Genetics, University of Leipzig Medical Center).

NM_001366521.1(ATP2B1):c.2365C>T (p.Arg789Cys)

Gene: ATP2B1 (ATPase plasma membrane Ca2+ transporting 1; minus strand). Cytogenetic location: 12q21.33.
Variant type: single nucleotide variant.
Coding change: c.2365C>T on transcript NM_001366521.1 (MANE Select); coding-DNA position 2365, C replaced by T.
Protein change: p.Arg789Cys; replaces arginine 789 with cysteine.
Molecular consequence: missense variant.
Genome position (GRCh38, 1-based): chr12:89,610,014, G>A on the plus strand (C>T on the coding strand, the complement: ATP2B1 is on the minus strand). VCF-style: chr12-89610014-G-A. GRCh37 (hg19) VCF-style: chr12-90003791-G-A.
Other names: c.2365C>T, p.Arg789Cys (NM_001001323.2, NM_001366520.1, NM_001366522.1 and 8 more transcripts); c.2167C>T, p.Arg723Cys (NM_001366530.1); c.1804C>T, p.Arg602Cys (NM_001366531.1, NM_001366532.1); short protein forms R602C, R723C, R789C.
Identifiers: ClinVar variation 1679162 (VCV001679162.3), dbSNP rs1161061134, ClinGen allele CA386123373.